The following is an entry in ClinVar:

ClinVar aggregate classification (germline): Likely pathogenic (1 of 4 stars; one submission).

Conditions:
SIN3A-related intellectual disability syndrome due to a point mutation. Also called: WITTEVEEN-KOLK SYNDROME; 15q24 Microdeletion Syndrome. Identifiers: Orphanet 500166, Orphanet 94065, MedGen C4310804, MONDO:0044700, OMIM 613406.

Submission:

Baylor Genetics
Classification: Likely pathogenic for SIN3A-related intellectual disability syndrome due to a point mutation. Last evaluated: 2020-03-13. Review status: criteria provided, single submitter. Criteria: ACMG Guidelines, 2015. Collection method: clinical testing. Allele origin: unknown. Affected: yes.
Comment: This variant was determined to be likely pathogenic according to ACMG Guidelines, 2015 [PMID:25741868].

NM_001145358.2(SIN3A):c.2005C>T (p.Leu669Phe)

Gene: SIN3A (SIN3 transcription regulator family member A; minus strand). Cytogenetic location: 15q24.2.
Variant type: single nucleotide variant.
Coding change: c.2005C>T on transcript NM_001145358.2 (MANE Select); coding-DNA position 2005, C replaced by T.
Protein change: p.Leu669Phe; replaces leucine 669 with phenylalanine.
Molecular consequence: missense variant.
Genome position (GRCh38, 1-based): chr15:75,396,346, G>A on the plus strand (C>T on the coding strand, the complement: SIN3A is on the minus strand). VCF-style: chr15-75396346-G-A. GRCh37 (hg19) VCF-style: chr15-75688687-G-A.
Other names: c.2005C>T, p.Leu669Phe (NM_001145357.2, NM_015477.3); short protein forms L669F.
Identifiers: ClinVar variation 1031166 (VCV001031166.1), dbSNP rs2073302769, ClinGen allele CA393495275.